The following is an entry in ClinVar:

NM_153603.4(COG7):c.1970A>G (p.His657Arg)

Gene: COG7 (component of oligomeric golgi complex 7; minus strand). Cytogenetic location: 16p12.2.
Variant type: single nucleotide variant.
Coding change: c.1970A>G on transcript NM_153603.4 (MANE Select); coding-DNA position 1970, A replaced by G.
Protein change: p.His657Arg; replaces histidine 657 with arginine.
Molecular consequence: missense variant.
Genome position (GRCh38, 1-based): chr16:23,393,265, T>C on the plus strand (A>G on the coding strand, the complement: COG7 is on the minus strand). VCF-style: chr16-23393265-T-C. GRCh37 (hg19) VCF-style: chr16-23404586-T-C.
Other names: short protein forms H657R.
Identifiers: ClinVar variation 1373745 (VCV001373745.4), dbSNP rs767518060, ClinGen allele CA7960826.
Genomic context (GRCh38, chr16:23,393,265, plus strand): 5'-AACATCGCCAGAAACGGTCCCCGCTTACCCTGCTCAGGAGGAAATGGCAGCTTTCCAGCG[T>C]GCAATGCCAACTCTAAGGCAGAGTCCTCCTGAGTCACAAATGGCTCAAGATTCAGGGGGA-3'
Protein context (NP_705831.1, residues 647-667): QEDSALELAL[His657Arg]AGKLPFPPEQ

ClinVar aggregate classification (germline): Uncertain significance (1 of 4 stars; one submission).

Conditions:
COG7 congenital disorder of glycosylation (CDG2E). Also called: CONGENITAL DISORDER OF GLYCOSYLATION, TYPE IIe; CDG IIe. Identifiers: Orphanet 79333, MedGen C2931010, MONDO:0012118, OMIM 608779.

Allele frequency attached by ClinVar (database versions not stated): TOPMed below 0.00001; gnomAD 0.00001; gnomAD exomes 0.00001; ExAC 0.00002.
gnomAD v4.1: 11 of 1,613,936 alleles (0.00068%); highest among the groups gnomAD compares: African/African-American, 0.0013%; no homozygotes.

Submission:

Labcorp Genetics (formerly Invitae), Labcorp
Classification: Uncertain significance for COG7 congenital disorder of glycosylation. Last evaluated: 2021-10-07. Review status: criteria provided, single submitter. Criteria: Invitae Variant Classification Sherloc (09022015). Collection method: clinical testing. Allele origin: germline.
Comment: In summary, the available evidence is currently insufficient to determine the role of this variant in disease. Therefore, it has been classified as a Variant of Uncertain Significance. Algorithms developed to predict the effect of missense changes on protein structure and function are either unavailable or do not agree on the potential impact of this missense change (SIFT: "Deleterious"; PolyPhen-2: "Benign"; Align-GVGD: "Class C0"). This variant has not been reported in the literature in individuals affected with COG7-related conditions. This variant is present in population databases (rs767518060, ExAC 0.005%). This sequence change replaces histidine with arginine at codon 657 of the COG7 protein (p.His657Arg). The histidine residue is highly conserved and there is a small physicochemical difference between histidine and arginine.